The following is an entry in ClinVar:

ClinVar aggregate classification (germline): Pathogenic. Review status: criteria provided, multiple submitters, no conflicts (2 of 4 stars). 2 submissions from 2 submitters: Pathogenic (2). Last evaluated 2025-02-07.

Conditions:
Miyoshi muscular dystrophy 1 (MMD1). Identifiers: Orphanet 45448, MedGen C4551973, MONDO:0024545, OMIM 254130.
Autosomal recessive limb-girdle muscular dystrophy type 2B (LGMDR2). Also called: MUSCULAR DYSTROPHY, LIMB-GIRDLE, TYPE 3; Limb-girdle muscular dystrophy, type 2B; MUSCULAR DYSTROPHY, LIMB-GIRDLE, AUTOSOMAL RECESSIVE 2; Limb-Girdle Muscular Dystrophy Type 2B (LGMD2B). Identifiers: Orphanet 268, MedGen C1850889, MONDO:0009676, OMIM 253601.

Submissions (2):

3billion
Classification: Pathogenic for Miyoshi muscular dystrophy 1. Last evaluated: 2025-02-07. Review status: criteria provided, single submitter. Criteria: ACMG Guidelines, 2015. Collection method: clinical testing. Allele origin: germline. Affected: yes.
Comment: The variant is not observed in the gnomAD v4.1.0 dataset. Predicted Consequence/Location: Frameshift: predicted to result in a loss or disruption of normal protein function through nonsense-mediated decay (NMD) or protein truncation. Multiple pathogenic variants are reported downstream of the variant. Therefore, this variant is classified as Pathogenic according to the recommendation of ACMG/AMP guideline.

Clinical Genetics Service, Universitary Hospital 12 de Octubre
Classification: Pathogenic for Autosomal recessive limb-girdle muscular dystrophy type 2B. Review status: criteria provided, single submitter. Criteria: ACMG Guidelines, 2015. Collection method: clinical testing. Allele origin: germline. Affected: yes.

NM_001130987.2(DYSF):c.4672_4675del (p.Ser1558fs)

Gene: DYSF (dysferlin; plus strand). Cytogenetic location: 2p13.2.
Variant type: Deletion.
Coding change: c.4672_4675del on transcript NM_001130987.2 (MANE Select); coding-DNA positions 4672 to 4675, 4 bases deleted (TCTG; older notation c.4672_4675delTCTG).
Protein change: p.Ser1558fs; shifts the reading frame from serine 1558.
Molecular consequence: frameshift variant.
Genome position (GRCh38, 1-based): chr2:71,656,207-71,656,210, TCTG deleted; deleting any 4 consecutive bases within chr2:71,656,204-71,656,210 gives the same sequence; the c. name uses the placement nearest the transcript's 3' end. VCF-style (leftmost placement, unchanged base first): chr2-71656203-CCTGT-C. GRCh37 (hg19) VCF-style: chr2-71883333-CCTGT-C.
Other names: c.4558_4561del, p.Ser1520fs (NM_001130455.2); c.4513_4516del, p.Ser1505fs (NM_001130976.2); c.4576_4579del, p.Ser1526fs (NM_001130977.2); c.4618_4621del, p.Ser1540fs (NM_001130978.2); c.4648_4651del, p.Ser1550fs (NM_001130979.2); c.4606_4609del, p.Ser1536fs (NM_001130980.2); c.4669_4672del, p.Ser1557fs (NM_001130981.2); c.4651_4654del, p.Ser1551fs (NM_001130982.2); and 6 more; short protein forms S1505fs, S1506fs, S1519fs, S1520fs, S1526fs, S1527fs, S1536fs, S1537fs.
Identifiers: ClinVar variation 4292781 (VCV004292781.2).
Genomic context (GRCh38, chr2:71,656,203, plus strand): 5'-TAATCCCCATGTGTGGCAGGTCTATGACACACAGCTGGAGAATGTGGAGGCCTTTGAGGG[CCTGT>C]CTGACTTTTGTAACACCTTCAAGCTGTACCGGGGCAAGACGCAGGAGGAGACAGAAGATC-3'